The following is an entry in ClinVar:

ClinVar aggregate classification (germline): Pathogenic (1 of 4 stars; one submission).

Conditions:
Donnai-Barrow syndrome. Also called: DBS/FOAR SYNDROME; FACIOOCULOACOUSTICORENAL SYNDROME. Identifiers: Orphanet 2143, MedGen C1857277, MONDO:0009104, OMIM 222448.

Submission:

Myriad Genetics, Inc.
Classification: Pathogenic for Donnai-Barrow syndrome. Last evaluated: 2026-02-21. Review status: criteria provided, single submitter. Criteria: Myriad Autosomal Dominant, Autosomal Recessive and X-Linked Classification Criteria (2023). Collection method: clinical testing. Allele origin: unknown.
Comment: NM_004525.2(LRP2):c.1057C>T(Q353*) is expected to be pathogenic in the context of Donnai-Barrow syndrome. This variant is predicted to lead to an abnormal or absent protein product due to the creation of a premature termination codon in LRP2, a gene where loss-of-function variants are known to be pathogenic. Please note: this variant was assessed in the context of healthy population screening.

NM_004525.3(LRP2):c.1057C>T (p.Gln353Ter)

Gene: LRP2 (LDL receptor related protein 2; minus strand). Cytogenetic location: 2q31.1.
Variant type: single nucleotide variant.
Coding change: c.1057C>T on transcript NM_004525.3 (MANE Select); coding-DNA position 1057, C replaced by T.
Protein change: p.Gln353Ter; replaces glutamine 353 with a stop codon.
Molecular consequence: nonsense.
Genome position (GRCh38, 1-based): chr2:169,282,987, G>A on the plus strand (C>T on the coding strand, the complement: LRP2 is on the minus strand). VCF-style: chr2-169282987-G-A. GRCh37 (hg19) VCF-style: chr2-170139497-G-A.
Other names: short protein forms Q353*.
Identifiers: ClinVar variation 5015582 (VCV005015582.1).